The following is an entry in ClinVar:

ClinVar aggregate classification (germline): Likely benign. Review status: criteria provided, multiple submitters, no conflicts (2 of 4 stars). 3 submissions from 3 submitters: Likely benign (3). Last evaluated 2025-11-24.

Conditions:
Autosomal recessive limb-girdle muscular dystrophy type 2J (LGMDR10). Also called: Limb-girdle muscular dystrophy, type 2J; MUSCULAR DYSTROPHY, LIMB-GIRDLE, AUTOSOMAL RECESSIVE 10. Identifiers: Orphanet 140922, MedGen C1837342, MONDO:0012127, OMIM 608807.
Dilated cardiomyopathy 1G (CMD1G). Identifiers: Orphanet 154, MedGen C1858763, MONDO:0011400, OMIM 604145.
Cardiovascular phenotype. Identifiers: MedGen CN230736.
TTN-related disorder. Also called: TTN-related disorders; TTN-related condition; TTN-related disease.

Allele frequency attached by ClinVar (database versions not stated): gnomAD exomes below 0.00001; TOPMed 0.00002.
gnomAD v4.1: 3 of 1,613,828 alleles (0.00019%); highest among the groups gnomAD compares: African/African-American, 0.004%; no homozygotes.

Submissions (3):

Ambry Genetics
Classification: Likely benign for Cardiovascular phenotype. Last evaluated: 2025-11-24. Review status: criteria provided, single submitter. Criteria: Ambry Variant Classification Scheme 2023. Collection method: clinical testing. Allele origin: germline.

PreventionGenetics, part of Exact Sciences
Classification: Likely benign for TTN-related condition. Last evaluated: 2025-11-17. Review status: criteria provided, single submitter. Criteria: ACMG Guidelines, 2015. Collection method: clinical testing. Allele origin: germline.
Comment: This variant is classified as likely benign based on ACMG/AMP sequence variant interpretation guidelines (Richards et al. 2015 PMID: 25741868, with internal and published modifications).

Labcorp Genetics (formerly Invitae), Labcorp
Classification: Likely benign for Dilated cardiomyopathy 1G; Autosomal recessive limb-girdle muscular dystrophy type 2J. Last evaluated: 2025-04-17. Review status: criteria provided, single submitter. Criteria: Invitae Variant Classification Sherloc (09022015). Collection method: clinical testing. Allele origin: germline.

NM_001267550.2(TTN):c.103914T>A (p.Arg34638=)

Genes: TTN (titin; minus strand), TTN-AS1 (TTN antisense RNA 1; plus strand). Cytogenetic location: 2q31.2.
Variant type: single nucleotide variant.
Coding change: c.103914T>A on transcript NM_001267550.2 (MANE Select); coding-DNA position 103914, T replaced by A.
Protein change: p.Arg34638=; no amino-acid change (arginine 34638 retained).
Molecular consequence: synonymous variant.
Genome position (GRCh38, 1-based): chr2:178,532,701, A>T on the plus strand (T>A on the coding strand, the complement: TTN is on the minus strand). VCF-style: chr2-178532701-A-T. GRCh37 (hg19) VCF-style: chr2-179397428-A-T.
Other names: c.98991T>A, p.Arg32997= (NM_001256850.1); c.76719T>A, p.Arg25573= (NM_003319.4); c.96210T>A, p.Arg32070= (NM_133378.4); c.77094T>A, p.Arg25698= (NM_133432.3); c.77295T>A, p.Arg25765= (NM_133437.4).
Identifiers: ClinVar variation 796168 (VCV000796168.13), dbSNP rs977041865, ClinGen allele CA60956677.